The following is an entry in ClinVar:

ClinVar aggregate classification (germline): Uncertain significance. Review status: criteria provided, multiple submitters, no conflicts (2 of 4 stars). 3 submissions from 3 submitters: Uncertain significance (2). 1 of the submissions does not count toward it. Last evaluated 2023-04-07.

Conditions:
Inborn genetic diseases. Identifiers: MedGen C0950123, MeSH D030342.
Carnitine palmitoyl transferase 1A deficiency. Also called: Carnitine palmitoyltransferase 1A deficiency; CPT deficiency, hepatic, type IA; CPT I DEFICIENCY; CPT DEFICIENCY, HEPATIC, TYPE I; Carnitine palmitoyltransferase type I deficiency. Identifiers: Orphanet 156, MedGen C1829703, MONDO:0009705, OMIM 255120.

Allele frequency attached by ClinVar (database versions not stated): gnomAD exomes below 0.00001 and 0.00001; TOPMed 0.00001.
gnomAD v4.1: 6 of 1,614,022 alleles (0.00037%); highest among the groups gnomAD compares: East Asian, 0.011%; no homozygotes.

Submissions (3):

Ambry Genetics
Classification: Uncertain significance for Inborn genetic diseases. Last evaluated: 2023-04-07. Review status: criteria provided, single submitter. Criteria: Ambry Variant Classification Scheme 2023. Collection method: clinical testing. Allele origin: germline.

Labcorp Genetics (formerly Invitae), Labcorp
Classification: Uncertain significance for Carnitine palmitoyl transferase 1A deficiency. Last evaluated: 2021-08-31. Review status: criteria provided, single submitter. Criteria: Invitae Variant Classification Sherloc (09022015). Collection method: clinical testing. Allele origin: germline.
Comment: This sequence change replaces isoleucine with threonine at codon 19 of the CPT1A protein (p.Ile19Thr). The isoleucine residue is moderately conserved and there is a moderate physicochemical difference between isoleucine and threonine. This variant is not present in population databases (ExAC no frequency). This variant has not been reported in the literature in individuals affected with CPT1A-related conditions. Algorithms developed to predict the effect of missense changes on protein structure and function are either unavailable or do not agree on the potential impact of this missense change (SIFT: "Deleterious"; PolyPhen-2: "Benign"; Align-GVGD: "Class C0"). In summary, the available evidence is currently insufficient to determine the role of this variant in disease. Therefore, it has been classified as a Variant of Uncertain Significance.

Natera, Inc.
Classification: Uncertain significance for Carnitine palmitoyltransferase type I deficiency. Last evaluated: 2021-05-18. Review status: no assertion criteria provided. Collection method: clinical testing. Allele origin: germline. Not counted in ClinVar's aggregate classification.

NM_001876.4(CPT1A):c.56T>C (p.Ile19Thr)

Gene: CPT1A (carnitine palmitoyltransferase 1A; minus strand). Cytogenetic location: 11q13.3.
Variant type: single nucleotide variant.
Coding change: c.56T>C on transcript NM_001876.4 (MANE Select); coding-DNA position 56, T replaced by C.
Protein change: p.Ile19Thr; replaces isoleucine 19 with threonine.
Molecular consequence: missense variant.
Genome position (GRCh38, 1-based): chr11:68,815,419, A>G on the plus strand (T>C on the coding strand, the complement: CPT1A is on the minus strand). VCF-style: chr11-68815419-A-G. GRCh37 (hg19) VCF-style: chr11-68582887-A-G.
Other names: c.56T>C, p.Ile19Thr (NM_001031847.3); short protein forms I19T.
Identifiers: ClinVar variation 970720 (VCV000970720.9), dbSNP rs1306340710, ClinGen allele CA381638396.
Genomic context (GRCh38, chr11:68,815,419, plus strand): 5'-CAGGAATGAAGTCCAGAGAGATAGATTTGTCTAAGAGCTTCATGGCTCAGCCGCAGGTCA[A>G]TCCCGTCCGGAGTGACCGTGAACTGAAAGGCCACAGCTTGGTGAGCTTCTGCCATCTTCA-3'
Protein context (NP_001867.2, residues 9-29): AFQFTVTPDG[Ile19Thr]DLRLSHEALR